The following is an entry in ClinVar:

NM_001374736.1(DST):c.20895C>T (p.Leu6965=)

Gene: DST (dystonin; minus strand). Cytogenetic location: 6p12.1.
Variant type: single nucleotide variant.
Coding change: c.20895C>T on transcript NM_001374736.1 (MANE Select); coding-DNA position 20895, C replaced by T.
Protein change: p.Leu6965=; no amino-acid change (leucine 6965 retained).
Molecular consequence: synonymous variant.
Genome position (GRCh38, 1-based): chr6:56,487,256, G>A on the plus strand (C>T on the coding strand, the complement: DST is on the minus strand). VCF-style: chr6-56487256-G-A. GRCh37 (hg19) VCF-style: chr6-56352054-G-A.
Other names: c.14538C>T, p.Leu4846= (NM_001144769.5); c.14124C>T, p.Leu4708= (NM_001144770.2); c.20895C>T, p.Leu6965= (NM_001374722.1); c.19935C>T, p.Leu6645= (NM_001374729.1); c.13677C>T, p.Leu4559= (NM_001374730.1); c.20922C>T, p.Leu6974= (NM_001374734.1); c.14004C>T, p.Leu4668= (NM_001386100.1, NM_183380.4); c.13026C>T, p.Leu4342= (NM_015548.5); and 1 more.
Identifiers: ClinVar variation 1161694 (VCV001161694.10), dbSNP rs765299229, ClinGen allele CA3866627.

ClinVar aggregate classification (germline): Likely benign. Review status: criteria provided, single submitter (1 of 4 stars). 2 submissions from 2 submitters: Likely benign (1). 1 of the submissions does not count toward it. Last evaluated 2025-05-05.

Conditions:
Hereditary sensory and autonomic neuropathy type 6. Also called: Neuropathy, hereditary sensory and autonomic, type VI; HSAN VI. Identifiers: Orphanet 314381, MedGen C3539003, MONDO:0013839, OMIM 614653.
Epidermolysis bullosa simplex 3, localized or generalized intermediate, with BP230 deficiency (EBS3). Also called: Epidermolysis bullosa simplex, autosomal recessive 2; Epidermolysis bullosa simplex due to BP230 deficiency. Identifiers: Orphanet 412181, MedGen C3809470, MONDO:0014180, OMIM 615425.
DST-related disorder. Also called: DST-related disorders; DST-related condition.

Allele frequency attached by ClinVar (database versions not stated): gnomAD 0.00004; gnomAD exomes 0.00007.
gnomAD v4.1: 111 of 1,560,882 alleles (0.0071%); highest among the groups gnomAD compares: Non-Finnish European, 0.0085%; no homozygotes.

Submissions (2):

Labcorp Genetics (formerly Invitae), Labcorp
Classification: Likely benign for Epidermolysis bullosa simplex 3, localized or generalized intermediate, with BP230 deficiency; Hereditary sensory and autonomic neuropathy type 6. Last evaluated: 2025-05-05. Review status: criteria provided, single submitter. Criteria: Invitae Variant Classification Sherloc (09022015). Collection method: clinical testing. Allele origin: germline.

PreventionGenetics, part of Exact Sciences
Classification: Likely benign for DST-related condition. Last evaluated: 2019-03-05. Review status: no assertion criteria provided. Collection method: clinical testing. Allele origin: germline. Not counted in ClinVar's aggregate classification.
Comment: This variant is classified as likely benign based on ACMG/AMP sequence variant interpretation guidelines (Richards et al. 2015 PMID: 25741868, with internal and published modifications).